The following is an entry in ClinVar:

NM_001447.3(FAT2):c.10309-8G>A

Genes: FAT2 (FAT atypical cadherin 2; minus strand), SLC36A1 (solute carrier family 36 member 1; plus strand). Cytogenetic location: 5q33.1.
Variant type: single nucleotide variant.
Coding change: c.10309-8G>A on transcript NM_001447.3 (MANE Select); 8 bases into the intron before coding-DNA position 10309, G replaced by A.
Molecular consequence: intron variant.
Genome position (GRCh38, 1-based): chr5:151,525,973, C>T on the plus strand (G>A on the coding strand, the complement: FAT2 is on the minus strand). VCF-style: chr5-151525973-C-T. GRCh37 (hg19) VCF-style: chr5-150905534-C-T.
Identifiers: ClinVar variation 2089690 (VCV002089690.4), dbSNP rs375782201, ClinGen allele CA129935562.
Genomic context (GRCh38, chr5:151,525,973, plus strand): 5'-TCTGGGTCACTCAGGATCAGCTGCAGGACTTTGCTGCCAATGGGGGAGTTCTCCTGAGAC[C>T]GAGAGTGACAAAGAAGGCAAAGAGCAGAATGAGTCCCGGTCCTTCCTTTCGCACGTGTCT-3'

ClinVar aggregate classification (germline): Uncertain significance (1 of 4 stars; one submission).

Allele frequency attached by ClinVar (database versions not stated): gnomAD 0.00001; ESP Exome Variant Server 0.00008.
gnomAD v4.1: 9 of 1,613,358 alleles (0.00056%); highest among the groups gnomAD compares: African/African-American, 0.0013%; no homozygotes.

Submission:

Labcorp Genetics (formerly Invitae), Labcorp
Classification: Uncertain significance. Last evaluated: 2022-06-15. Review status: criteria provided, single submitter. Criteria: Invitae Variant Classification Sherloc (09022015). Collection method: clinical testing. Allele origin: germline.
Comment: In summary, the available evidence is currently insufficient to determine the role of this variant in disease. Therefore, it has been classified as a Variant of Uncertain Significance. This sequence change falls in intron 16 of the FAT2 gene. It does not directly change the encoded amino acid sequence of the FAT2 protein. This variant is present in population databases (rs375782201, gnomAD 0.0008%). This variant has not been reported in the literature in individuals affected with FAT2-related conditions. Algorithms developed to predict the effect of sequence changes on RNA splicing suggest that this variant may disrupt the consensus splice site.